The following is an entry in ClinVar:

NM_007294.4(BRCA1):c.2245G>C (p.Asp749His)

Gene: BRCA1 (BRCA1 DNA repair associated; minus strand). Cytogenetic location: 17q21.31.
Variant type: single nucleotide variant.
Coding change: c.2245G>C on transcript NM_007294.4 (MANE Select); coding-DNA position 2245, G replaced by C.
Protein change: p.Asp749His; replaces aspartic acid 749 with histidine.
Molecular consequence: missense variant. On other transcripts: intron variant (137).
Genome position (GRCh38, 1-based): chr17:43,093,286, C>G on the plus strand (G>C on the coding strand, the complement: BRCA1 is on the minus strand). VCF-style: chr17-43093286-C-G. GRCh37 (hg19) VCF-style: chr17-41245303-C-G.
Other names: c.2032G>C, p.Asp678His (NM_001407571.1, NM_001407898.1, NM_001407899.1 and 9 more transcripts); c.2245G>C, p.Asp749His (NM_001407581.1, NM_001407582.1, NM_001407583.1 and 30 more transcripts); c.2242G>C, p.Asp748His (NM_001407587.1, NM_001407590.1, NM_001407591.1 and 22 more transcripts); c.2236G>C, p.Asp746His (NM_001407647.1, NM_001407646.1); c.2122G>C, p.Asp708His (NM_001407648.1, NM_001407668.1, NM_001407669.1 and 19 more transcripts); c.2119G>C, p.Asp707His (NM_001407649.1, NM_001407670.1, NM_001407671.1 and 11 more transcripts); c.2167G>C, p.Asp723His (NM_001407653.1, NM_001407654.1, NM_001407655.1 and 4 more transcripts); c.2104G>C, p.Asp702His (NM_001407692.1, NM_001407694.1, NM_001407695.1 and 29 more transcripts); and 41 more; short protein forms D749H, D702H, D453H, D581H, D661H, D621H, D660H, D681H.
Identifiers: ClinVar variation 125550 (VCV000125550.4), dbSNP rs80357114, ClinGen allele CA001502.

ClinVar aggregate classification (germline): Likely benign. Review status: criteria provided, single submitter (1 of 4 stars). 2 submissions from 2 submitters: Likely benign (1). 1 of the submissions does not count toward it. Last evaluated 2023-03-23.

Conditions:
Hereditary cancer-predisposing syndrome. Also called: Tumor predisposition; Hereditary neoplastic syndrome; Hereditary Cancer Syndrome; Neoplastic Syndromes, Hereditary. Identifiers: Orphanet 140162, MedGen C0027672, MeSH D009386, MONDO:0015356.
Breast-ovarian cancer, familial, susceptibility to, 1 (BROVCA1). Also called: BRCA1 Hereditary Breast and Ovarian Cancer; OVARIAN CANCER, SUSCEPTIBILITY TO. Identifiers: Orphanet 145, MedGen C2676676, MONDO:0011450, OMIM 604370. Disease mechanism: loss of function.

Submissions (2):

University of Washington Department of Laboratory Medicine, University of Washington
Classification: Likely benign for Hereditary cancer-predisposing syndrome. Last evaluated: 2023-03-23. Review status: criteria provided, single submitter. Criteria: Dines et al. (Genet Med. 2020). Collection method: curation. Allele origin: germline.
Comment: Missense variant in a coldspot region where missense variants are very unlikely to be pathogenic (PMID:31911673).

BRCA1 coldspot (exon 11 using historical exon numbering). Reclassification based on statistical prior probability

Breast Cancer Information Core (BIC) (BRCA1)
Classification: Uncertain significance for Breast-ovarian cancer, familial 1. Last evaluated: 2013-02-20. Review status: no assertion criteria provided. Collection method: clinical testing. Allele origin: germline. Affected: yes. Observed: 1 variant allele. Not counted in ClinVar's aggregate classification.

Literature cited by the submitters: PubMed 11802209 (cited by Breast Cancer Information Core (BIC) (BRCA1)).